The following is an entry in ClinVar:

NM_203447.4(DOCK8):c.4201G>T (p.Glu1401Ter)

Gene: DOCK8 (dedicator of cytokinesis 8; plus strand). Cytogenetic location: 9p24.3.
Variant type: single nucleotide variant.
Coding change: c.4201G>T on transcript NM_203447.4 (MANE Select); coding-DNA position 4201, G replaced by T.
Protein change: p.Glu1401Ter; replaces glutamic acid 1401 with a stop codon.
Molecular consequence: nonsense.
Genome position (GRCh38, 1-based): chr9:422,095, G>T. VCF-style: chr9-422095-G-T. GRCh37 (hg19) VCF-style: chr9-422095-G-T.
Other names: c.3901G>T, p.Glu1301Ter (NM_001190458.2); c.3997G>T, p.Glu1333Ter (NM_001193536.2); short protein forms E1301*, E1333*, E1401*.
Identifiers: ClinVar variation 1879728 (VCV001879728.29), dbSNP rs755955593, ClinGen allele CA372764739.

ClinVar aggregate classification (germline): Pathogenic (1 of 4 stars; one submission).

Submission:

CeGaT Center for Human Genetics Tuebingen
Classification: Pathogenic. Last evaluated: 2023-03-01. Review status: criteria provided, single submitter. Criteria: CeGaT Center For Human Genetics Tuebingen Variant Classification Criteria Version 2. Collection method: clinical testing. Allele origin: germline. Affected: yes. Observed: 2 variant alleles.
Comment: DOCK8: PVS1, PM2